The following is an entry in ClinVar:

ClinVar aggregate classification (germline): Uncertain significance (1 of 4 stars; one submission).

Conditions:
Ichthyosis linearis circumflexa. Identifiers: MedGen C0265962, MONDO:0043106, HP:0025810.

Submission:

Labcorp Genetics (formerly Invitae), Labcorp
Classification: Uncertain significance for Ichthyosis linearis circumflexa. Last evaluated: 2024-02-24. Review status: criteria provided, single submitter. Criteria: Invitae Variant Classification Sherloc (09022015). Collection method: clinical testing. Allele origin: germline.
Comment: This sequence change replaces lysine, which is basic and polar, with asparagine, which is neutral and polar, at codon 344 of the SPINK5 protein (p.Lys344Asn). This variant is not present in population databases (gnomAD no frequency). This variant has not been reported in the literature in individuals affected with SPINK5-related conditions. ClinVar contains an entry for this variant (Variation ID: 1466057). Advanced modeling of protein sequence and biophysical properties (such as structural, functional, and spatial information, amino acid conservation, physicochemical variation, residue mobility, and thermodynamic stability) performed at Invitae indicates that this missense variant is not expected to disrupt SPINK5 protein function with a negative predictive value of 80%. In summary, the available evidence is currently insufficient to determine the role of this variant in disease. Therefore, it has been classified as a Variant of Uncertain Significance.

NM_006846.4(SPINK5):c.1032G>T (p.Lys344Asn)

Gene: SPINK5 (serine peptidase inhibitor Kazal type 5; plus strand). Cytogenetic location: 5q32.
Variant type: single nucleotide variant.
Coding change: c.1032G>T on transcript NM_006846.4 (MANE Select); coding-DNA position 1032, G replaced by T.
Protein change: p.Lys344Asn; replaces lysine 344 with asparagine.
Molecular consequence: missense variant.
Genome position (GRCh38, 1-based): chr5:148,099,255, G>T. VCF-style: chr5-148099255-G-T. GRCh37 (hg19) VCF-style: chr5-147478818-G-T.
Other names: c.1032G>T, p.Lys344Asn (NM_001127698.2, NM_001127699.2); short protein forms K344N.
Identifiers: ClinVar variation 1466057 (VCV001466057.8), dbSNP rs771934297, ClinGen allele CA361635704.
Genomic context (GRCh38, chr5:148,099,255, plus strand): 5'-TGTTCCTAATGGATCTGCTTCTTTTTCCCTCTTATTCAGCCAAGCAGAAAATGAAGAAAA[G>T]AAAAAGGCTGAAGCACGAGCTAGAAACAAAAGAGAATCTGGAAAAGCAACCTCATATGCA-3'
Protein context (NP_006837.2, residues 334-354): QAYFQAENEE[Lys344Asn]KKAEARARNK